The following is an entry in ClinVar:

NM_020999.4(NEUROG3):c.191G>C (p.Arg64Pro)

Gene: NEUROG3 (neurogenin 3; minus strand). Cytogenetic location: 10q22.1.
Variant type: single nucleotide variant.
Coding change: c.191G>C on transcript NM_020999.4 (MANE Select); coding-DNA position 191, G replaced by C.
Protein change: p.Arg64Pro; replaces arginine 64 with proline.
Molecular consequence: missense variant.
Genome position (GRCh38, 1-based): chr10:69,572,853, C>G on the plus strand (G>C on the coding strand, the complement: NEUROG3 is on the minus strand). VCF-style: chr10-69572853-C-G. GRCh37 (hg19) VCF-style: chr10-71332609-C-G.
Other names: short protein forms R64P.
Identifiers: ClinVar variation 1945075 (VCV001945075.2), dbSNP rs377216129, ClinGen allele CA5533755.
Genomic context (GRCh38, chr10:69,572,853, plus strand): 5'-CGACTCCGTCGCTGCTTGCTCAGTGCCAACTCGCTCTTAGGCCGGCTGCGTCCCCCGCGC[C>G]GTGCCCGGAGCTTCCTCGGGGCCCCTCGGCAGCCTCCCTCTTCCGCCTCTGCGCAGTTCC-3'
Protein context (NP_066279.2, residues 54-74): CRGAPRKLRA[Arg64Pro]RGGRSRPKSE

ClinVar aggregate classification (germline): Uncertain significance (1 of 4 stars; one submission).

Allele frequency attached by ClinVar (database versions not stated): ESP Exome Variant Server 0.00008.
gnomAD v4.1: 13 of 1,609,880 alleles (0.00081%); highest among the groups gnomAD compares: Middle Eastern, 0.016%; no homozygotes.

Submission:

Labcorp Genetics (formerly Invitae), Labcorp
Classification: Uncertain significance. Last evaluated: 2022-05-28. Review status: criteria provided, single submitter. Criteria: Invitae Variant Classification Sherloc (09022015). Collection method: clinical testing. Allele origin: germline.
Comment: This sequence change replaces arginine, which is basic and polar, with proline, which is neutral and non-polar, at codon 64 of the NEUROG3 protein (p.Arg64Pro). This variant is present in population databases (rs377216129, gnomAD 0.001%). This variant has not been reported in the literature in individuals affected with NEUROG3-related conditions. Algorithms developed to predict the effect of missense changes on protein structure and function are either unavailable or do not agree on the potential impact of this missense change (SIFT: "Tolerated"; PolyPhen-2: "Probably Damaging"; Align-GVGD: "Class C0"). In summary, the available evidence is currently insufficient to determine the role of this variant in disease. Therefore, it has been classified as a Variant of Uncertain Significance.